The following is an entry in ClinVar:

ClinVar aggregate classification (germline): Uncertain significance. Review status: criteria provided, multiple submitters, no conflicts (2 of 4 stars). 2 submissions from 2 submitters: Uncertain significance (2). Last evaluated 2025-10-27.

Conditions:
Hypomagnesemia, seizures, and impaired intellectual development 1. Also called: Hypomagnesemia, seizures, and intellectual disability 1. Identifiers: Orphanet 34527, MedGen C4225333, MONDO:0020787, OMIM 616418.
Renal hypomagnesemia 6. Identifiers: Orphanet 34527, MedGen C3151295, MONDO:0013480, OMIM 613882.

Allele frequency attached by ClinVar (database versions not stated): gnomAD 0.00001; gnomAD exomes 0.00002.
gnomAD v4.1: 11 of 1,547,844 alleles (0.00071%); highest among the groups gnomAD compares: Admixed American, 0.022%; no homozygotes.

Submissions (2):

Labcorp Genetics (formerly Invitae), Labcorp
Classification: Uncertain significance. Last evaluated: 2025-10-27. Review status: criteria provided, single submitter. Criteria: Invitae Variant Classification Sherloc (09022015). Collection method: clinical testing. Allele origin: germline.
Comment: This sequence change replaces alanine, which is neutral and non-polar, with glutamic acid, which is acidic and polar, at codon 45 of the CNNM2 protein (p.Ala45Glu). This variant is present in population databases (rs765928831, gnomAD 0.03%). This variant has not been reported in the literature in individuals affected with CNNM2-related conditions. ClinVar contains an entry for this variant (Variation ID: 2906884). An algorithm developed to predict the effect of missense changes on protein structure and function (PolyPhen-2) suggests that this variant is likely to be disruptive. In summary, the available evidence is currently insufficient to determine the role of this variant in disease. Therefore, it has been classified as a Variant of Uncertain Significance.

Fulgent Genetics
Classification: Uncertain significance for Renal hypomagnesemia 6; Hypomagnesemia, seizures, and impaired intellectual development 1. Last evaluated: 2024-05-31. Review status: criteria provided, single submitter. Criteria: ACMG Guidelines, 2015. Collection method: clinical testing. Allele origin: germline.

NM_017649.5(CNNM2):c.134C>A (p.Ala45Glu)

Gene: CNNM2 (cyclin and CBS domain divalent metal cation transport mediator 2; plus strand). Cytogenetic location: 10q24.32.
Variant type: single nucleotide variant.
Coding change: c.134C>A on transcript NM_017649.5 (MANE Select); coding-DNA position 134, C replaced by A.
Protein change: p.Ala45Glu; replaces alanine 45 with glutamic acid.
Molecular consequence: missense variant.
Genome position (GRCh38, 1-based): chr10:102,918,614, C>A. VCF-style: chr10-102918614-C-A. GRCh37 (hg19) VCF-style: chr10-104678371-C-A.
Other names: c.134C>A, p.Ala45Glu (NM_199076.3, NM_199077.3); short protein forms A45E.
Identifiers: ClinVar variation 2906884 (VCV002906884.4), dbSNP rs765928831, ClinGen allele CA5670235.
Genomic context (GRCh38, chr10:102,918,614, plus strand): 5'-GGAAGATGGCGGCGCGCCGCAGCCTCAGCGCTCGCGGCCGGGGGATCCTGCAGGCGGCTG[C>A]GGGGCGGCTGCTGCCGCTGCTCCTGCTGAGCTGCTGCTGCGGTGCGGGCGGCTGCGCAGC-3'
Protein context (NP_060119.3, residues 35-55): ARGRGILQAA[Ala45Glu]GRLLPLLLLS